The following is an entry in ClinVar:

ClinVar aggregate classification (germline): Uncertain significance (1 of 4 stars; one submission).

Submission:

Women's Health and Genetics/Laboratory Corporation of America, LabCorp
Classification: Uncertain significance. Last evaluated: 2026-01-15. Review status: criteria provided, single submitter. Criteria: LabCorp Variant Classification Summary - May 2015. Collection method: clinical testing. Allele origin: germline.
Comment: Variant summary: COL7A1 c.6652G>A (p.Gly2218Ser) results in a non-conservative amino acid change in the encoded protein sequence. Algorithms developed to predict the effect of missense changes on protein structure and function all suggest that this variant is likely to be disruptive. Several computational tools predict a significant impact on normal splicing: Four predict the variant weakens a 3' acceptor site. Two predict the variant creates a 3' acceptor site. However, these predictions have yet to be confirmed by functional studies. The variant was absent in 250962 control chromosomes. The available data on variant occurrences in the general population are insufficient to allow any conclusion about variant significance. To our knowledge, no occurrence of c.6652G>A in individuals affected with COL7A1-related conditions and no experimental evidence demonstrating its impact on protein function have been reported. ClinVar contains an entry for this variant (Variation ID: 3912001). Based on the evidence outlined above, the variant was classified as uncertain significance.

NM_000094.4(COL7A1):c.6652G>A (p.Gly2218Ser)

Gene: COL7A1 (collagen type VII alpha 1 chain; minus strand). Cytogenetic location: 3p21.31.
Variant type: single nucleotide variant.
Coding change: c.6652G>A on transcript NM_000094.4 (MANE Select); coding-DNA position 6652, G replaced by A.
Protein change: p.Gly2218Ser; replaces glycine 2218 with serine.
Molecular consequence: missense variant.
Genome position (GRCh38, 1-based): chr3:48,573,236, C>T on the plus strand (G>A on the coding strand, the complement: COL7A1 is on the minus strand). VCF-style: chr3-48573236-C-T. GRCh37 (hg19) VCF-style: chr3-48610669-C-T.
Other names: short protein forms G2218S.
Identifiers: ClinVar variation 3912001 (VCV003912001.3).